The following is an entry in ClinVar:

NM_000443.4(ABCB4):c.2784-12T>C

Gene: ABCB4 (ATP binding cassette subfamily B member 4; minus strand). Cytogenetic location: 7q21.12.
Variant type: single nucleotide variant.
Coding change: c.2784-12T>C on transcript NM_000443.4 (MANE Select); 12 bases into the intron before coding-DNA position 2784, T replaced by C.
Molecular consequence: intron variant.
Genome position (GRCh38, 1-based): chr7:87,412,045, A>G on the plus strand (T>C on the coding strand, the complement: ABCB4 is on the minus strand). VCF-style: chr7-87412045-A-G. GRCh37 (hg19) VCF-style: chr7-87041361-A-G.
Other names: c.2783+1572T>C (NM_018850.3); c.2784-12T>C (NM_018849.3).
Identifiers: ClinVar variation 802326 (VCV000802326.21), dbSNP rs201498350, ClinGen allele CA4326929.
Genomic context (GRCh38, chr7:87,412,045, plus strand): 5'-TGAGATACTAAAAGTAATTCCATAGATGTGTGCCTTCTGCACAGAATTCCTGAAAAGCAA[A>G]TCAGTATACTTGTAACCATCTCTTCAGCCTCCTTTAGCGCTGTGTAGTGGAAAGAGCACG-3'

ClinVar aggregate classification (germline): Conflicting classifications of pathogenicity. Review status: criteria provided, conflicting classifications (1 of 4 stars). 13 submissions from 13 submitters: Pathogenic (2); Likely pathogenic (8); Uncertain significance (3). Last evaluated 2026-09-21.

Conditions:
ABCB4-related disorder. Also called: ABCB4-related disorders; ABCB4-related condition.
Progressive familial intrahepatic cholestasis type 3. Also called: MDR3 DEFICIENCY; Low Gamma-GT Familial Intrahepatic Cholestasis. Identifiers: Orphanet 79305, MedGen C1865643, MONDO:0011214, OMIM 602347.
Cholestasis, intrahepatic, of pregnancy, 3. Identifiers: Orphanet 69665, MedGen C3554241, MONDO:0013995, OMIM 614972.
Low phospholipid associated cholelithiasis (GBD1). Also called: Gallbladder disease 1; Gallstone cholecystitis. Identifiers: Orphanet 69663, MedGen C2609268, MONDO:0010939, OMIM 600803.
Familial intrahepatic cholestasis. Identifiers: Orphanet 284385, MedGen CN296401, MONDO:0017290.
ABCB4-Related Intrahepatic Cholestasis.
Progressive familial intrahepatic cholestasis (PFIC). Also called: Progressive family intrahepatic cholestasis; Progressive intrahepatic cholestasis. Identifiers: Orphanet 172, MedGen C0268312, MONDO:0015762.
Progressive familial intrahepatic cholestasis type 1. Also called: Severe ATP8B1 Deficiency (Progressive Familial Intrahepatic Cholestasis Type 1 [PFIC1]); Byler's disease; BYLER DISEASE. Identifiers: Orphanet 79306, MedGen C4551898, MONDO:0008892, OMIM 211600.

Allele frequency attached by ClinVar (database versions not stated): 1000 Genomes Project 30x 0.00016; gnomAD 0.00017 and 0.00019; 1000 Genomes Project 0.00020; TOPMed 0.00060; gnomAD exomes 0.00001 and 0.00002; ExAC 0.00002.
gnomAD v4.1: 62 of 1,613,484 alleles (0.0038%); highest among the groups gnomAD compares: Admixed American, 0.063%; 1 homozygote.

Submissions (13):

PreventionGenetics, part of Exact Sciences
Classification: Likely pathogenic for ABCB4-related condition. Last evaluated: 2026-09-21. Review status: criteria provided, single submitter. Criteria: ACMG Guidelines, 2015. Collection method: clinical testing. Allele origin: germline.
Comment: The ABCB4 c.2784-12T>C variant is predicted to interfere with splicing. An in vitro functional study showed that this alteration may decrease the efficiency of the intron 22 splice acceptor site, resulting in increased skipping of exon 23; but the results provided were not entirely conclusive (Belbin et al. 2021. PubMed ID: 34678161). This variant was identified as significantly associated with severe liver disease in a phenome-wide association study of individuals of Puerto Rican descent (Belbin et al. 2021. PubMed ID: 34678161). Upon examination of medical records, five homozygous individuals were noted to have liver disease including a diagnosis of cirrhosis or liver steatosis. Additional examination of subsets of heterozygous carriers support associations with medical codes related to increased serum levels of liver enzymes, liver function tests, and non-viral liver disease, suggesting that heterozygous carriers may be at an increased risk of liver disease. This variant occurs at an allele frequency of ~2% in the Puerto Rican population based on self-reported country of birth and ethnicity and is likely a founder variant in this population based on examination of local ancestry across the locus of three homozygous individuals (Belbin et al. 2021. PubMed ID: 34678161). In a conference abstract, this variant was also reported in the compound heterozygous state in a patient with intrahepatic cholestasis and liver inflammation and in a sibling with hepatic fibrosis and fertility issues (Wall et al. 2022. PubMed ID: 35905201). This variant is reported in 0.0058% of alleles in individuals of Latino descent in gnomAD. In ClinVar, this variant has been classified as likely pathogenic or pathogenic by the vast majority of the clinical laboratories (Variation ID: 802326). At PreventionGenetics, this variant has been found in the homozygous state in many patients tested for cholestasis (internal data). Taken together, this variant is interpreted as likely pathogenic.

Genomenon, Inc
Classification: Likely pathogenic for Familial intrahepatic cholestasis. Last evaluated: 2026-04-14. Review status: criteria provided, single submitter. Criteria: Genomenon Sequence Variant Interpretation Standards - Updated. Collection method: curation. Allele origin: germline. Affected: yes.
Comment: ABCB4 c.2784-12T>C is an intronic variant located in the acceptor splice region of intron 22. This variant has been observed in at least one proband with an ABCB4-related disorder (PMID:39333837;35905201). The variant was found to segregate with disease in at least one affected family (PMID:35905201). It has been observed in trans with a pathogenic or likely pathogenic variant (PMID:35905201). Splicing studies have been reported (PMID:34678161). It is absent or not present at a significant frequency in gnomAD. In conclusion, we classify ABCB4 c.2784-12T>C as a likely pathogenic variant.

CeGaT Center for Human Genetics Tuebingen
Classification: Likely pathogenic. Last evaluated: 2026-03-01. Review status: criteria provided, single submitter. Criteria: CeGaT Center For Human Genetics Tuebingen Variant Classification Criteria Version 2. Collection method: clinical testing. Allele origin: germline. Affected: yes. Observed: 1 variant allele.
Comment: ABCB4: PM3:Strong, PVS1:Moderate, PM2:Supporting

Labcorp Genetics (formerly Invitae), Labcorp
Classification: Likely pathogenic. Last evaluated: 2026-01-26. Review status: criteria provided, single submitter. Criteria: Invitae Variant Classification Sherloc (09022015). Collection method: clinical testing. Allele origin: germline.
Comment: This sequence change falls in intron 22 of the ABCB4 gene. It does not directly change the encoded amino acid sequence of the ABCB4 protein. This variant is present in population databases (rs201498350, gnomAD 0.006%). This variant has been observed in individual(s) with autosomal recessive progressive familial intrahepatic cholestasis (PMID: 34678161, 35905201, 39333837; internal data). In at least one individual the data is consistent with being in trans (on the opposite chromosome) from a pathogenic variant. It has also been observed to segregate with disease in related individuals. ClinVar contains an entry for this variant (Variation ID: 802326). Studies have shown this variant is associated with in-frame skipping of exon 23, but one or more of the resulting mRNA isoform(s) may be naturally occurring (PMID: 34678161). In summary, the currently available evidence indicates that the variant is pathogenic, but additional data are needed to prove that conclusively. Therefore, this variant has been classified as Likely Pathogenic.

Dasa
Classification: Pathogenic. Last evaluated: 2025-11-07. Review status: criteria provided, single submitter. Criteria: DASA Assertion Criteria. Collection method: clinical testing. Allele origin: germline.
Comment: NM_000443.4(ABCB4):c.2784-12T>C introduces a premature termination codon predicted to result in loss of normal protein function. Loss-of-function is an established mechanism of disease for this gene. This variant has been observed in affected individuals with related phenotype in a genotype context consistent with recessive disease (PMID: 35905201; PMID: 34678161). Functional evidence supports a deleterious effect on the gene or gene product (PMID: 35905201; PMID: 34678161). This variant has been recurrently observed in individuals with related phenotype (PMID: 35905201; PMID: 34678161). The variant is present at low frequency in population datasets. Based on the available data, this variant is classified as pathogenic.

Fulgent Genetics
Classification: Likely pathogenic for Low phospholipid associated cholelithiasis; Progressive familial intrahepatic cholestasis type 3; Cholestasis, intrahepatic, of pregnancy, 3. Last evaluated: 2024-05-16. Review status: criteria provided, single submitter. Criteria: ACMG Guidelines, 2015. Collection method: clinical testing. Allele origin: germline.

3billion
Classification: Likely pathogenic for Progressive familial intrahepatic cholestasis type 3. Last evaluated: 2023-08-29. Review status: criteria provided, single submitter. Criteria: ACMG Guidelines, 2015. Collection method: clinical testing. Allele origin: germline. Affected: yes.
Comment: The variant is observed at an extremely low frequency in the gnomAD v2.1.1 dataset (total allele frequency: 0.002%). Predicted Consequence/Location: Intron variant: previously reported to alter splicing (PMID: 34678161). Intron variant: previously reported to alter splicing (PMID: 34678161). Therefore, this variant is classified as Likely pathogenic according to the recommendation of ACMG/AMP guideline.

Blueprint Genetics
Classification: Uncertain significance. Last evaluated: 2023-06-02. Review status: criteria provided, single submitter. Criteria: ACMG Guidelines, 2015. Collection method: clinical testing. Allele origin: germline.

Mayo Clinic Laboratories, Mayo Clinic
Classification: Uncertain significance. Last evaluated: 2023-02-10. Review status: criteria provided, single submitter. Criteria: ACMG Guidelines, 2015. Collection method: clinical testing. Allele origin: germline. Observed: 1 variant allele.
Comment: PM2

GeneDx
Classification: Pathogenic. Last evaluated: 2022-09-30. Review status: criteria provided, single submitter. Criteria: GeneDx Variant Classification Process June 2021. Collection method: clinical testing. Allele origin: germline. Affected: yes.
Comment: Published functional studies demonstrate a damaging effect due to aberrant splicing that results in the skipping of in-frame exon 23 (Belbin GM et al., 2021); Not observed at significant frequency in large population cohorts (gnomAD); This variant is associated with the following publications: (PMID: 35905201, 34678161)

Women's Health and Genetics/Laboratory Corporation of America, LabCorp
Classification: Likely pathogenic for Progressive familial intrahepatic cholestasis. Last evaluated: 2022-08-22. Review status: criteria provided, single submitter. Criteria: LabCorp Variant Classification Summary - May 2015. Collection method: clinical testing. Allele origin: germline.
Comment: Variant summary: ABCB4 c.2784-12T>C alters a non-conserved nucleotide located close to a canonical splice site and therefore could affect mRNA splicing, leading to a significantly altered protein sequence. Three computational tools predict the variant has no significant impact on splicing and one predicts the variant weakens a canonical 3' acceptor site. At least one publication reports experimental evidence that this variant affects mRNA splicing. The study found that wild-type transcripts are spliced into mRNA with and without exon 23 and introduction of the variant led to increased exon skipping, resulting in a greater proportion of mRNA transcripts lacking exon 23 (e.g. Belbin_2021). The variant allele was found at a frequency of 2e-05 in 250744 control chromosomes (gnomAD). c.2784-12T>C has been reported in the literature in four homozygous individuals affected with liver cirrhosis, and in one unaffected homozygous individual (e.g. Belbin_2021). This report does not provide unequivocal conclusions about association of the variant with Familial Intrahepatic Cholestasis. One clinical diagnostic laboratory has submitted clinical-significance assessments for this variant to ClinVar after 2014 without evidence for independent evaluation and classified the variant as likely pathogenic. Based on the evidence outlined above, the variant was classified as likely pathogenic.

Illumina Laboratory Services, Illumina
Classification: Uncertain significance. Last evaluated: 2021-06-08. Review status: criteria provided, single submitter. Criteria: ICSLVariantClassificationCriteria RUGD 01 April 2020. Collection method: clinical testing. Allele origin: unknown.
Comment: The ABCB4 c.2784-12T>C variant occurs in a splice region. This variant was identified in a homozygous state in four individuals with a phenotype consistent with advanced liver disease and in one individual with liver steatosis on imaging. Heterozygous carriers of the variant were also found to experience an increased risk of liver disease. In vitro analyses confirmed the variant results in skipping of exon 23 (Belbin et al. 2021). The c.2784-12T>C variant is reported at a frequency of 0.000633 in the Admixed American population of the Genome Aggregation Database (version 4.0.0) including one homozygote. Belbin et al. noted a high frequency of the variant in the Puerto Rican population and speculated it resulted from a founder effect (Belbin et al. 2021). Based on the available evidence, the c.2784-12T>C variant is classified as a variant of uncertain significance for ABCB4-related intrahepatic cholestasis.

Mendelics
Classification: Likely pathogenic for Progressive familial intrahepatic cholestasis type 1. Last evaluated: 2020-03-06. Review status: criteria provided, single submitter. Criteria: Mendelics Assertion Criteria 2017. Collection method: clinical testing. Allele origin: unknown.

Literature cited by the submitters: PubMed 39333837 (cited by Genomenon, Inc and Labcorp Genetics (formerly Invitae), Labcorp); PubMed 35905201 (cited by 4 submitters); PubMed 34678161 (cited by 6 submitters).